The following is an entry in ClinVar:

NM_000487.6(ARSA):c.*919A>G

Gene: ARSA (arylsulfatase A; minus strand). Cytogenetic location: 22q13.33.
Variant type: single nucleotide variant.
Coding change: c.*919A>G on transcript NM_000487.6 (MANE Select); 919 bases downstream of the stop codon, A replaced by G.
Molecular consequence: 3 prime UTR variant.
Genome position (GRCh38, 1-based): chr22:50,624,226, T>C on the plus strand (A>G on the coding strand, the complement: ARSA is on the minus strand). VCF-style: chr22-50624226-T-C. GRCh37 (hg19) VCF-style: chr22-51062654-T-C.
Other names: c.*919A>G (NM_001085425.3, NM_001085426.3, NM_001085427.3 and 2 more transcripts).
Identifiers: ClinVar variation 342214 (VCV000342214.5), dbSNP rs5770805, ClinGen allele CA10654220.
Genomic context (GRCh38, chr22:50,624,226, plus strand): 5'-GGTTCAAGTGATTCTCCAGCCTCAGACTCCCAAGTAGCTGGGATTACAGGGATGCACCAC[T>C]ACACCTGGCTAATTTTGTATTTTTAGTAGAGATGGGGTTTCTCCATGTTGGTCAGGCTGG-3'

ClinVar aggregate classification (germline): Benign (1 of 4 stars; one submission).

Conditions:
Metachromatic leukodystrophy (MLD). Also called: ARSA DEFICIENCY; CEREBROSIDE SULFATASE DEFICIENCY; METACHROMATIC LEUKOENCEPHALOPATHY; SULFATIDE LIPIDOSIS; Cerebral sclerosis diffuse metachromatic form; Arylsulfatase A Deficiency. Identifiers: Orphanet 512, MedGen C0023522, MONDO:0018868, OMIM 250100.

Allele frequency attached by ClinVar (database versions not stated): gnomAD 0.78412 and 0.78711; TOPMed 0.78831; 1000 Genomes Project 30x 0.83198; 1000 Genomes Project 0.83486.
gnomAD v4.1: 119,621 of 151,932 alleles (79%); highest among the groups gnomAD compares: East Asian, 97%; 47,274 homozygotes.

Submission:

Illumina Laboratory Services, Illumina
Classification: Benign for Metachromatic leukodystrophy. Last evaluated: 2018-01-12. Review status: criteria provided, single submitter. Criteria: ICSL Variant Classification Criteria 13 December 2019. Collection method: clinical testing. Allele origin: germline.
Comment: This variant was observed in the ICSL laboratory as part of a predisposition screen in an ostensibly healthy population. It had not been previously curated by ICSL or reported in the Human Gene Mutation Database (HGMD: prior to June 1st, 2018), and was therefore a candidate for classification through an automated scoring system. Utilizing variant allele frequency, disease prevalence and penetrance estimates, and inheritance mode, an automated score was calculated to assess if this variant is too frequent to cause the disease. Based on the score and internal cut-off values, a variant classified as benign is not then subjected to further curation. The score for this variant resulted in a classification of benign for this disease.